The following is an entry in ClinVar:

ClinVar aggregate classification (germline): Uncertain significance. Review status: criteria provided, multiple submitters, no conflicts (2 of 4 stars). 4 submissions from 4 submitters: Uncertain significance (4). Last evaluated 2025-09-17.

Conditions:
Hereditary nonpolyposis colorectal neoplasms. Identifiers: MedGen C0009405, MeSH D003123.
Hereditary cancer-predisposing syndrome. Also called: Neoplastic Syndromes, Hereditary; Tumor predisposition; Hereditary Cancer Syndrome; Hereditary neoplastic syndrome. Identifiers: Orphanet 140162, MedGen C0027672, MeSH D009386, MONDO:0015356.

Submissions (4):

Ambry Genetics
Classification: Uncertain significance for Hereditary cancer-predisposing syndrome. Last evaluated: 2025-09-17. Review status: criteria provided, single submitter. Criteria: Ambry Variant Classification Scheme 2023. Collection method: clinical testing. Allele origin: germline.
Comment: The p.R1068P variant (also known as c.3203G>C), located in coding exon 5 of the MSH6 gene, results from a G to C substitution at nucleotide position 3203. The arginine at codon 1068 is replaced by proline, an amino acid with dissimilar properties. This amino acid position is not well conserved in available vertebrate species. In addition, the in silico prediction for this alteration is inconclusive. Based on the available evidence, the clinical significance of this variant remains unclear.

Color Diagnostics, LLC DBA Color Health
Classification: Uncertain significance for Hereditary cancer-predisposing syndrome. Last evaluated: 2024-12-11. Review status: criteria provided, single submitter. Criteria: ACMG Guidelines, 2015. Collection method: clinical testing. Allele origin: germline.
Comment: This missense variant replaces arginine with proline at codon 1068 of the MSH6 protein. Computational prediction is inconclusive regarding the impact of this variant on protein structure and function (internally defined REVEL score threshold 0.5 < inconclusive < 0.7, PMID: 27666373). To our knowledge, functional studies have not been reported for this variant. This variant has not been reported in individuals affected with MSH6-related disorders in the literature. This variant has not been identified in the general population by the Genome Aggregation Database (gnomAD). The available evidence is insufficient to determine the role of this variant in disease conclusively. Therefore, this variant is classified as a Variant of Uncertain Significance.

Labcorp Genetics (formerly Invitae), Labcorp
Classification: Uncertain significance for Hereditary nonpolyposis colorectal neoplasms. Last evaluated: 2024-06-10. Review status: criteria provided, single submitter. Criteria: Invitae Variant Classification Sherloc (09022015). Collection method: clinical testing. Allele origin: germline.
Comment: This sequence change replaces arginine, which is basic and polar, with proline, which is neutral and non-polar, at codon 1068 of the MSH6 protein (p.Arg1068Pro). This variant is not present in population databases (gnomAD no frequency). This variant has not been reported in the literature in individuals affected with MSH6-related conditions. ClinVar contains an entry for this variant (Variation ID: 142413). Advanced modeling of protein sequence and biophysical properties (such as structural, functional, and spatial information, amino acid conservation, physicochemical variation, residue mobility, and thermodynamic stability) performed at Invitae indicates that this missense variant is not expected to disrupt MSH6 protein function with a negative predictive value of 95%. In summary, the available evidence is currently insufficient to determine the role of this variant in disease. Therefore, it has been classified as a Variant of Uncertain Significance.

PreventionGenetics, part of Exact Sciences
Classification: Uncertain significance. Last evaluated: 2016-11-22. Review status: criteria provided, single submitter. Criteria: ACMG Guidelines, 2015. Collection method: clinical testing. Allele origin: germline.

NM_000179.3(MSH6):c.3203G>C (p.Arg1068Pro)

Gene: MSH6 (mutS homolog 6; plus strand). Cytogenetic location: 2p16.3.
Variant type: single nucleotide variant.
Coding change: c.3203G>C on transcript NM_000179.3 (MANE Select); coding-DNA position 3203, G replaced by C.
Protein change: p.Arg1068Pro; replaces arginine 1068 with proline.
Molecular consequence: missense variant.
Genome position (GRCh38, 1-based): chr2:47,803,450, G>C. VCF-style: chr2-47803450-G-C. GRCh37 (hg19) VCF-style: chr2-48030589-G-C.
Other names: c.2813G>C, p.Arg938Pro (NM_001281492.2); c.2297G>C, p.Arg766Pro (NM_001281493.2, NM_001281494.2); short protein forms R1068P, R766P, R938P.
Identifiers: ClinVar variation 142413 (VCV000142413.18), dbSNP rs398123230, ClinGen allele CA011948.
Genomic context (GRCh38, chr2:47,803,450, plus strand): 5'-AAGCCTCACTTTTACCCTCTCTTTTAACAGATGTTTTACTGTGCCTGGCTAACTATAGTC[G>C]AGGGGGTGATGGTCCTATGTGTCGCCCAGTAATTCTGTTGCCGGAAGATACCCCCCCCTT-3'
Protein context (NP_000170.1, residues 1058-1078): DVLLCLANYS[Arg1068Pro]GGDGPMCRPV